The following is an entry in ClinVar:

NM_001127222.2(CACNA1A):c.2867G>A (p.Arg956Gln)

Gene: CACNA1A (calcium voltage-gated channel subunit alpha1 A; minus strand). Cytogenetic location: 19p13.13.
Variant type: single nucleotide variant.
Coding change: c.2867G>A on transcript NM_001127222.2 (MANE Select); coding-DNA position 2867, G replaced by A.
Protein change: p.Arg956Gln; replaces arginine 956 with glutamine.
Molecular consequence: missense variant.
Genome position (GRCh38, 1-based): chr19:13,298,766, C>T on the plus strand (G>A on the coding strand, the complement: CACNA1A is on the minus strand). VCF-style: chr19-13298766-C-T. GRCh37 (hg19) VCF-style: chr19-13409580-C-T.
Other names: c.2879G>A, p.Arg960Gln (NM_000068.4, NM_023035.3); c.2870G>A, p.Arg957Gln (NM_001127221.2, NM_001174080.2); short protein forms R957Q, R956Q, R960Q.
Identifiers: ClinVar variation 387404 (VCV000387404.14), dbSNP rs551380805, ClinGen allele CA16607733.

ClinVar aggregate classification (germline): Uncertain significance. Review status: criteria provided, multiple submitters, no conflicts (2 of 4 stars). 4 submissions from 4 submitters: Uncertain significance (4). Last evaluated 2024-09-12.

Conditions:
Episodic ataxia type 2 (EA2). Also called: ATAXIA, EPISODIC, WITH NYSTAGMUS; ATAXIA, FAMILIAL PAROXYSMAL; CEREBELLAR ATAXIA, PAROXYSMAL, ACETAZOLAMIDE-RESPONSIVE; CEREBELLOPATHY, HEREDITARY PAROXYSMAL; ACETAZOLAMIDE-RESPONSIVE HEREDITARY PAROXYSMAL CEREBELLAR ATAXIA; EPISODIC ATAXIA, NYSTAGMUS-ASSOCIATED. Identifiers: Orphanet 97, MedGen C1720416, MONDO:0007163, OMIM 108500.
Developmental and epileptic encephalopathy, 42 (DEE42A). Also called: DEVELOPMENTAL AND EPILEPTIC ENCEPHALOPATHY 42A; EPILEPTIC ENCEPHALOPATHY, EARLY INFANTILE, 42A; Epileptic encephalopathy, early infantile, 42. Identifiers: MedGen C4310716, MONDO:0014917, OMIM 617106.
Inborn genetic diseases. Identifiers: MedGen C0950123, MeSH D030342.

Allele frequency attached by ClinVar (database versions not stated): 1000 Genomes Project 30x 0.00016; 1000 Genomes Project 0.00020.
gnomAD v4.1: 6 of 1,520,648 alleles (0.00039%); highest among the groups gnomAD compares: South Asian, 0.0073%; no homozygotes.

Submissions (4):

Labcorp Genetics (formerly Invitae), Labcorp
Classification: Uncertain significance for Developmental and epileptic encephalopathy, 42; Episodic ataxia type 2. Last evaluated: 2024-09-12. Review status: criteria provided, single submitter. Criteria: Invitae Variant Classification Sherloc (09022015). Collection method: clinical testing. Allele origin: germline.
Comment: This sequence change replaces arginine, which is basic and polar, with glutamine, which is neutral and polar, at codon 957 of the CACNA1A protein (p.Arg957Gln). This variant is not present in population databases (gnomAD no frequency). This variant has not been reported in the literature in individuals affected with CACNA1A-related conditions. ClinVar contains an entry for this variant (Variation ID: 387404). Invitae Evidence Modeling of protein sequence and biophysical properties (such as structural, functional, and spatial information, amino acid conservation, physicochemical variation, residue mobility, and thermodynamic stability) has been performed for this missense variant. However, the output from this modeling did not meet the statistical confidence thresholds required to predict the impact of this variant on CACNA1A protein function. In summary, the available evidence is currently insufficient to determine the role of this variant in disease. Therefore, it has been classified as a Variant of Uncertain Significance.

Neuberg Centre For Genomic Medicine, NCGM
Classification: Uncertain significance for Developmental and epileptic encephalopathy, 42. Last evaluated: 2023-02-14. Review status: criteria provided, single submitter. Criteria: ACMG Guidelines, 2015. Collection method: clinical testing. Allele origin: germline. Inheritance: Autosomal dominant inheritance. Affected: yes.
Comment: The missense c.2867G>A(p.Arg956Gln) variant in CACNA1A gene has not been reported previously as a pathogenic variant nor a benign variant, to our knowledge. The p.Arg956Gln variant is novel (not in any individuals) in gnomAD Exomes. This variant has been reported to the ClinVar database as Uncertain Significance. The amino acid change p.Arg956Gln in CACNA1A is predicted as conserved by GERP++ and PhyloP across 100 vertebrates. The amino acid Arg at position 956 is changed to a Gln changing protein sequence and it might alter its composition and physico-chemical properties. For these reasons, this variant has been classified as a Variant of Uncertain Significance (VUS).

Ambry Genetics
Classification: Uncertain significance for Inborn genetic diseases. Last evaluated: 2018-07-06. Review status: criteria provided, single submitter. Criteria: Ambry Variant Classification Scheme 2023. Collection method: clinical testing. Allele origin: germline.
Comment: The p.R957Q variant (also known as c.2870G>A), located in coding exon 19 of the CACNA1A gene, results from a G to A substitution at nucleotide position 2870. The arginine at codon 957 is replaced by glutamine, an amino acid with highly similar properties. This amino acid position is highly conserved in available vertebrate species. In addition, the in silico prediction for this alteration is inconclusive. Since supporting evidence is limited at this time, the clinical significance of this alteration remains unclear.

GeneDx
Classification: Uncertain significance. Last evaluated: 2018-05-04. Review status: criteria provided, single submitter. Criteria: GeneDx Variant Classification (06012015). Collection method: clinical testing. Allele origin: germline. Affected: yes.
Comment: A variant of uncertain significance has been identified in the CACNA1A gene. The R957Q variant has not been published as a pathogenic variant, nor has it been reported as a benign variant to our knowledge. The R957Q variant was not observed in the Exome Aggregation Consortium (ExAC) data set, indicating it is not a common benign variant. The R957Q variant is a semi-conservative amino acid substitution, which may impact secondary protein structure as these residues differ in some properties. This substitution occurs at a position that is conserved across species. However, missense variants in nearby residues have not been reported in the Human Gene Mutation Database in association with CACNA1A-related disorders (Stenson et al., 2014). In silico analysis is inconsistent in its predictions as to whether or not the variant is damaging to the protein structure/function. Therefore, based on the currently available information, it is unclear whether this variant is a pathogenic variant or a rare benign variant.